The following is an entry in ClinVar:

ClinVar aggregate classification (germline): Likely pathogenic. Review status: criteria provided, multiple submitters, no conflicts (2 of 4 stars). 2 submissions from 2 submitters: Likely pathogenic (2). Last evaluated 2025-01-20.

Conditions:
Mucopolysaccharidosis, MPS-II (MPS2). Also called: Hunter Syndrome; IDURONATE 2-SULFATASE DEFICIENCY; Mucopolysaccharidosis Type II; Mucopolysaccharidosis type 2; Attenuated MPS (subtype; formerly known as mild MPS II); Severe MPS II. Identifiers: Orphanet 580, Orphanet 79388, MedGen C0026705, MONDO:0010674, OMIM 309900.

Submissions (2):

Foundation for Research in Genetics and Endocrinology, FRIGE's Institute of Human Genetics
Classification: Likely pathogenic for Mucopolysaccharidosis, MPS-II. Last evaluated: 2025-01-20. Review status: criteria provided, single submitter. Criteria: ACMG Guidelines, 2015. Collection method: clinical testing. Allele origin: germline. Inheritance: X-linked recessive inheritance. Affected: yes. Observed: 1 hemizygote.
Comment: A hemizygous 3’splice site variation in intron 3 of the IDS gene that affects the invariant AG acceptor splice site downstream of exon 3 was detected. The observed variant c.418+3A>T has not been reported in the 1000 genomes and gnomAD databases. The variant has previously been reported in the ClinVar database (RCV004596811.1). The in silico prediction of the variant is damaging by MutationTaster2, SpliceAI, DANN and FATHMM. In summary, the variant meets our criteria to be classified as likely pathogenic.

Laboratory of Diagnosis and Therapy of Lysosomal Disorders, University of Padova
Classification: Likely pathogenic for Mucopolysaccharidosis, MPS-II. Last evaluated: 2024-06-07. Review status: criteria provided, single submitter. Criteria: ACMG Guidelines, 2015. Collection method: literature only. Allele origin: germline. Affected: yes. Observed: 1 variant allele.
Comment: Absent from controls (or at low frequency) in gnomAD database (PM2_Moderate), Multiple lines of computational evidence support a deleterious effect (PP3_Supporting), Patient’s phenotype or family history highly specific for the disease (PP4_Strong)

Classification method: ACMG Guidelines [PMID:25741868] with modifications

Literature cited by the submitters: PubMed 20960627 (cited by Laboratory of Diagnosis and Therapy of Lysosomal Disorders, University of Padova).

NM_000202.8(IDS):c.418+3A>T

Gene: IDS (iduronate 2-sulfatase; minus strand). Cytogenetic location: Xq28.
Variant type: single nucleotide variant.
Coding change: c.418+3A>T on transcript NM_000202.8 (MANE Select); 3 bases into the intron after coding-DNA position 418, A replaced by T.
Molecular consequence: intron variant.
Genome position (GRCh38, 1-based): chrX:149,503,309, T>A on the plus strand (A>T on the coding strand, the complement: IDS is on the minus strand). VCF-style: chrX-149503309-T-A. GRCh37 (hg19) VCF-style: chrX-148584839-T-A.
Other names: c.148+3A>T (NM_001166550.4); c.418+3A>T (NM_006123.5).
Identifiers: ClinVar variation 3255712 (VCV003255712.3).
Genomic context (GRCh38, chrX:149,503,309, plus strand): 5'-TGGGAATGCTGGATTCAGACACCACAAACCAAGAGAACCCAGACTCTGGACATGGAGCAG[T>A]ACCAGGGTGAAAGACTTTTCCCACCGACATGGTCACATAGCCATTCTCCTTGAAGTACTG-3'